The following is an entry in ClinVar:

ClinVar aggregate classification (germline): Uncertain significance. Review status: criteria provided, multiple submitters, no conflicts (2 of 4 stars). 4 submissions from 4 submitters: Uncertain significance (4). Last evaluated 2022-08-01.

Conditions:
Developmental and epileptic encephalopathy, 1 (DEE1). Also called: INFANTILE SPASM SYNDROME, X-LINKED 1; X-linked infantile spasms; West's syndrome; Tonic spasms with clustering, arrest of psychomotor development and hypsarrhythmia on EEG; X-Linked Infantile Spasm Syndrome; Epileptic encephalopathy, early infantile, 1. Identifiers: MedGen C3463992, MONDO:0010632, OMIM 308350. Disease mechanism: loss of function.
Autosomal dominant nonsyndromic hearing loss 65. Also called: Deafness, autosomal dominant 65; TBC1D24-Related Autosomal Dominant Nonsyndromic Hearing Loss (DFNA). Identifiers: Orphanet 90635, MedGen C3892048, MONDO:0014470, OMIM 616044.

Allele frequency attached by ClinVar (database versions not stated): gnomAD 0.00001; gnomAD exomes 0.00001; TOPMed 0.00001.
gnomAD v4.1: 8 of 1,601,846 alleles (0.0005%); highest among the groups gnomAD compares: Middle Eastern, 0.017%; no homozygotes.

Submissions (4):

CeGaT Center for Human Genetics Tuebingen
Classification: Uncertain significance. Last evaluated: 2022-08-01. Review status: criteria provided, single submitter. Criteria: CeGaT Center For Human Genetics Tuebingen Variant Classification Criteria Version 2. Collection method: clinical testing. Allele origin: germline. Affected: yes. Observed: 1 variant allele.
Comment: TBC1D24: PM2

Labcorp Genetics (formerly Invitae), Labcorp
Classification: Uncertain significance for Developmental and epileptic encephalopathy, 1; Autosomal dominant nonsyndromic hearing loss 65. Last evaluated: 2021-03-30. Review status: criteria provided, single submitter. Criteria: Invitae Variant Classification Sherloc (09022015). Collection method: clinical testing. Allele origin: germline.
Comment: In summary, the available evidence is currently insufficient to determine the role of this variant in disease. Therefore, it has been classified as a Variant of Uncertain Significance. Advanced modeling of protein sequence and biophysical properties (such as structural, functional, and spatial information, amino acid conservation, physicochemical variation, residue mobility, and thermodynamic stability) performed at Invitae indicates that this missense variant is expected to disrupt TBC1D24 protein function. This variant has not been reported in the literature in individuals with TBC1D24-related conditions. ClinVar contains an entry for this variant (Variation ID: 207513). This variant is not present in population databases (ExAC no frequency). This sequence change replaces arginine with histidine at codon 486 of the TBC1D24 protein (p.Arg486His). The arginine residue is highly conserved and there is a small physicochemical difference between arginine and histidine.

Laboratory for Molecular Medicine, Mass General Brigham Personalized Medicine
Classification: Uncertain significance. Last evaluated: 2015-05-05. Review status: criteria provided, single submitter. Criteria: LMM Criteria. Collection method: clinical testing. Allele origin: germline. Observed: 1 variant allele.
Comment: The p.Arg486His variant in TBC1D24 has not been previously reported in individua ls with hearing loss. Data from large population studies are insufficient to ass ess the frequency of this variant. Computational prediction tools and conservati on analysis suggest that this variant may impact the protein, though this inform ation is not predictive enough to determine pathogenicity. In summary, the clini cal significance of the p.Arg486His variant is uncertain.

GeneDx
Classification: Uncertain significance. Last evaluated: 2014-04-11. Review status: criteria provided, single submitter. Criteria: GeneDx Variant Classification (06012015). Collection method: clinical testing. Allele origin: germline. Affected: yes.
Comment: p.Arg480His (CGC>CAC): c.1439 G>A in exon 6 of the TBC1D24 gene (NM_020705.2). A variant of unknown significance has been identified in the TBC1D24 gene. The R480H variant has not been published as a mutation, nor has it been reported as a benign polymorphism to our knowledge. It was not observed in approximately 6,300 individuals of European and African American ancestry in the NHLBI Exome Sequencing Project, indicating it is not a common benign variant in these populations. The R480H substitution occurs at a position that is conserved across species, and in silico analysis predicts this variant is probably damaging to the protein structure/function. However, the R480H variant is a conservative amino acid substitution, which is not likely to impact secondary protein structure as these residues share similar properties. Therefore, based on the currently available information, it is unclear whether this variant is a pathogenic mutation or a rare benign variant. The variant is found in EPILEPSY panel(s).

NM_001199107.2(TBC1D24):c.1457G>A (p.Arg486His)

Gene: TBC1D24 (TBC1 domain family member 24; plus strand). Cytogenetic location: 16p13.3.
Variant type: single nucleotide variant.
Coding change: c.1457G>A on transcript NM_001199107.2 (MANE Select); coding-DNA position 1457, G replaced by A.
Protein change: p.Arg486His; replaces arginine 486 with histidine.
Molecular consequence: missense variant.
Genome position (GRCh38, 1-based): chr16:2,500,422, G>A. VCF-style: chr16-2500422-G-A. GRCh37 (hg19) VCF-style: chr16-2550423-G-A.
Other names: p.R480H:CGC>CAC; c.1439G>A, p.Arg480His (NM_020705.3); short protein forms R480H, R486H.
Identifiers: ClinVar variation 207513 (VCV000207513.38), dbSNP rs796053405, ClinGen allele CA319062.